The following is an entry in ClinVar:

ClinVar aggregate classification (germline): Benign. Review status: criteria provided, multiple submitters, no conflicts (2 of 4 stars). 4 submissions from 4 submitters: Benign (2). 2 of the submissions do not count toward it. Last evaluated 2023-02-10.

Submissions (4):

Mayo Clinic Laboratories, Mayo Clinic
Classification: Benign. Last evaluated: 2023-02-10. Review status: criteria provided, single submitter. Criteria: ACMG Guidelines, 2015. Collection method: clinical testing. Allele origin: germline. Observed: 43 variant alleles.
Comment: BA1

GeneDx
Classification: Benign. Last evaluated: 2015-03-03. Review status: criteria provided, single submitter. Criteria: GeneDx Variant Classification Process June 2021. Collection method: clinical testing. Allele origin: germline. Affected: yes.

Clinical Genetics DNA and cytogenetics Diagnostics Lab, Erasmus MC, Erasmus Medical Center
Classification: Benign. Review status: no assertion criteria provided. Collection method: clinical testing. Allele origin: germline. Affected: yes. Study: VKGL Data-share Consensus. Not counted in ClinVar's aggregate classification.

Diagnostic Laboratory, Department of Genetics, University Medical Center Groningen
Classification: Benign. Review status: no assertion criteria provided. Collection method: clinical testing. Allele origin: germline. Affected: yes. Study: VKGL Data-share Consensus. Not counted in ClinVar's aggregate classification.

NM_024407.5(NDUFS7):c.*3CCG[7]

Gene: NDUFS7 (NADH:ubiquinone oxidoreductase core subunit S7; plus strand). Cytogenetic location: 19p13.3.
Variant type: Microsatellite.
Coding change: c.*3CCG[7] on transcript NM_024407.5 (MANE Select); seven copies in a row of the 3-base unit CCG starting at c.*3; the reference has six copies in a row; one copy, 3 bases duplicated.
Molecular consequence: 3 prime UTR variant.
Genome position (GRCh38, 1-based): chr19:1,395,506-1,395,508, CCG duplicated; duplicating any 3 consecutive bases within chr19:1,395,489-1,395,508 gives the same sequence; the position shown is the placement nearest the transcript's 3' end. VCF-style (leftmost placement, unchanged base first): chr19-1395488-G-GCGC. GRCh37 (hg19) VCF-style: chr19-1395487-G-GCGC.
Other names: c.*1069CCG[7] (NM_001363602.2); c.*18_*20dup (NM_024407.5).
Identifiers: ClinVar variation 1174907 (VCV001174907.8), dbSNP rs3065757, ClinGen allele CA9043488.